The following is an entry in ClinVar:

ClinVar aggregate classification (germline): Uncertain significance (1 of 4 stars; one submission).

Conditions:
LAMA2-related muscular dystrophy (LAMA2-RD). Also called: Laminin alpha 2-related dystrophy. Identifiers: MedGen C5679788, MONDO:0100228.

Submission:

Labcorp Genetics (formerly Invitae), Labcorp
Classification: Uncertain significance for LAMA2-related muscular dystrophy. Last evaluated: 2021-12-28. Review status: criteria provided, single submitter. Criteria: Invitae Variant Classification Sherloc (09022015). Collection method: clinical testing. Allele origin: germline.
Comment: In summary, the available evidence is currently insufficient to determine the role of this variant in disease. Therefore, it has been classified as a Variant of Uncertain Significance. Advanced modeling of protein sequence and biophysical properties (such as structural, functional, and spatial information, amino acid conservation, physicochemical variation, residue mobility, and thermodynamic stability) performed at Invitae indicates that this missense variant is not expected to disrupt LAMA2 protein function. This variant has not been reported in the literature in individuals affected with LAMA2-related conditions. This variant is not present in population databases (gnomAD no frequency). This sequence change replaces lysine, which is basic and polar, with isoleucine, which is neutral and non-polar, at codon 1999 of the LAMA2 protein (p.Lys1999Ile).

NM_000426.4(LAMA2):c.5996A>T (p.Lys1999Ile)

Gene: LAMA2 (laminin subunit alpha 2; plus strand). Cytogenetic location: 6q22.33.
Variant type: single nucleotide variant.
Coding change: c.5996A>T on transcript NM_000426.4 (MANE Select); coding-DNA position 5996, A replaced by T.
Protein change: p.Lys1999Ile; replaces lysine 1999 with isoleucine.
Molecular consequence: missense variant.
Genome position (GRCh38, 1-based): chr6:129,438,673, A>T. VCF-style: chr6-129438673-A-T. GRCh37 (hg19) VCF-style: chr6-129759818-A-T.
Other names: c.5996A>T, p.Lys1999Ile (NM_001079823.2); short protein forms K1999I.
Identifiers: ClinVar variation 2055410 (VCV002055410.4), dbSNP rs2114761043, ClinGen allele CA365627578.